The following is an entry in ClinVar:

ClinVar aggregate classification (germline): Uncertain significance. Review status: criteria provided, multiple submitters, no conflicts (2 of 4 stars). 3 submissions from 3 submitters: Uncertain significance (3). Last evaluated 2022-02-21.

Conditions:
Facioscapulohumeral muscular dystrophy 2 (FSHD2). Also called: MUSCULAR DYSTROPHY, FACIOSCAPULOHUMERAL, TYPE 1B; FACIOSCAPULOHUMERAL MUSCULAR DYSTROPHY 2, DIGENIC; FSHD2, DIGENIC. Identifiers: Orphanet 269, MedGen C1834671, MONDO:0008031, OMIM 158901.

Allele frequency attached by ClinVar (database versions not stated): gnomAD 0.00001 and 0.00003; TOPMed 0.00001; gnomAD exomes 0.00002; ExAC 0.00003; 1000 Genomes Project 30x 0.00016; 1000 Genomes Project 0.00020.
gnomAD v4.1: 13 of 1,603,532 alleles (0.00081%); highest among the groups gnomAD compares: African/African-American, 0.011%; no homozygotes.

Submissions (3):

Labcorp Genetics (formerly Invitae), Labcorp
Classification: Uncertain significance for Facioscapulohumeral muscular dystrophy 2. Last evaluated: 2022-02-21. Review status: criteria provided, single submitter. Criteria: Invitae Variant Classification Sherloc (09022015). Collection method: clinical testing. Allele origin: germline.
Comment: This variant is present in population databases (rs577011893, gnomAD 0.01%). In summary, the available evidence is currently insufficient to determine the role of this variant in disease. Therefore, it has been classified as a Variant of Uncertain Significance. Algorithms developed to predict the effect of missense changes on protein structure and function (SIFT, PolyPhen-2, Align-GVGD) all suggest that this variant is likely to be tolerated. ClinVar contains an entry for this variant (Variation ID: 596391). This variant has not been reported in the literature in individuals affected with SMCHD1-related conditions. This sequence change replaces isoleucine, which is neutral and non-polar, with methionine, which is neutral and non-polar, at codon 608 of the SMCHD1 protein (p.Ile608Met).

Revvity Omics, Revvity
Classification: Uncertain significance. Last evaluated: 2019-09-13. Review status: criteria provided, single submitter. Criteria: ACMG Guidelines, 2015. Collection method: clinical testing. Allele origin: germline.

Eurofins Ntd Llc (ga)
Classification: Uncertain significance. Last evaluated: 2018-03-15. Review status: criteria provided, single submitter. Criteria: EGL ClinVar v180209 classification definitions. Collection method: clinical testing. Allele origin: germline. Observed: 1 variant allele, 1 heterozygote.

NM_015295.3(SMCHD1):c.1824A>G (p.Ile608Met)

Gene: SMCHD1 (structural maintenance of chromosomes flexible hinge domain containing 1; plus strand). Cytogenetic location: 18p11.32.
Variant type: single nucleotide variant.
Coding change: c.1824A>G on transcript NM_015295.3 (MANE Select); coding-DNA position 1824, A replaced by G.
Protein change: p.Ile608Met; replaces isoleucine 608 with methionine.
Molecular consequence: missense variant.
Genome position (GRCh38, 1-based): chr18:2,703,868, A>G. VCF-style: chr18-2703868-A-G. GRCh37 (hg19) VCF-style: chr18-2703866-A-G.
Other names: c.1824A>G (NM_015295.2); short protein forms I608M.
Identifiers: ClinVar variation 596391 (VCV000596391.12), dbSNP rs577011893, ClinGen allele CA8870787.
Genomic context (GRCh38, chr18:2,703,868, plus strand): 5'-TCCTTCTAAAAAGCAAGGTCCCTGGGCAACATATGCAGCAATAGAATGGGATGGAAAGAT[A>G]TACAAAGCAGGACAGCTGGTAGGTTTAACTTATTGTCACTTTTTTCTTATAATTTTTAAT-3'
Protein context (NP_056110.2, residues 598-618): TYAAIEWDGK[Ile608Met]YKAGQLVKTI